The following is an entry in ClinVar:

ClinVar aggregate classification (germline): Likely pathogenic (1 of 4 stars; one submission).

Conditions:
Glycine encephalopathy. Also called: Nonketotic hyperglycinemia; Non-ketotic hyperglycinemia. Identifiers: Orphanet 407, MedGen C0751748, MONDO:0011612, HP:0008288.

Submission:

Labcorp Genetics (formerly Invitae), Labcorp
Classification: Likely pathogenic for Glycine encephalopathy. Last evaluated: 2022-04-30. Review status: criteria provided, single submitter. Criteria: Invitae Variant Classification Sherloc (09022015). Collection method: clinical testing. Allele origin: germline.
Comment: In summary, the currently available evidence indicates that the variant is pathogenic, but additional data are needed to prove that conclusively. Therefore, this variant has been classified as Likely Pathogenic. This variant disrupts the p.Asp746 amino acid residue in GLDC. Other variant(s) that disrupt this residue have been determined to be pathogenic (PMID: 27362913). This suggests that this residue is clinically significant, and that variants that disrupt this residue are likely to be disease-causing. Advanced modeling of protein sequence and biophysical properties (such as structural, functional, and spatial information, amino acid conservation, physicochemical variation, residue mobility, and thermodynamic stability) performed at Invitae indicates that this missense variant is expected to disrupt GLDC protein function. This variant has not been reported in the literature in individuals affected with GLDC-related conditions. This variant is not present in population databases (gnomAD no frequency). This sequence change replaces aspartic acid, which is acidic and polar, with asparagine, which is neutral and polar, at codon 746 of the GLDC protein (p.Asp746Asn).

Literature cited by the submitters: PubMed 27362913.

NM_000170.3(GLDC):c.2236G>A (p.Asp746Asn)

Gene: GLDC (glycine decarboxylase; minus strand). Cytogenetic location: 9p24.1.
Variant type: single nucleotide variant.
Coding change: c.2236G>A on transcript NM_000170.3 (MANE Select); coding-DNA position 2236, G replaced by A.
Protein change: p.Asp746Asn; replaces aspartic acid 746 with asparagine.
Molecular consequence: missense variant.
Genome position (GRCh38, 1-based): chr9:6,554,748, C>T on the plus strand (G>A on the coding strand, the complement: GLDC is on the minus strand). VCF-style: chr9-6554748-C-T. GRCh37 (hg19) VCF-style: chr9-6554748-C-T.
Other names: short protein forms D746N.
Identifiers: ClinVar variation 2199373 (VCV002199373.4), dbSNP rs775769857, ClinGen allele CA372880362.